The following is an entry in ClinVar:

NM_006904.7(PRKDC):c.6913A>G (p.Asn2305Asp)

Gene: PRKDC (protein kinase, DNA-activated, catalytic subunit; minus strand). Cytogenetic location: 8q11.21.
Variant type: single nucleotide variant.
Coding change: c.6913A>G on transcript NM_006904.7 (MANE Select); coding-DNA position 6913, A replaced by G.
Protein change: p.Asn2305Asp; replaces asparagine 2305 with aspartic acid.
Molecular consequence: missense variant.
Genome position (GRCh38, 1-based): chr8:47,852,765, T>C on the plus strand (A>G on the coding strand, the complement: PRKDC is on the minus strand). VCF-style: chr8-47852765-T-C. GRCh37 (hg19) VCF-style: chr8-48765326-T-C.
Other names: c.6913A>G, p.Asn2305Asp (NM_001081640.2); short protein forms N2305D.
Identifiers: ClinVar variation 1756135 (VCV001756135.2), dbSNP rs2551869048, ClinGen allele CA371158290.

ClinVar aggregate classification (germline): Uncertain significance (1 of 4 stars; one submission).

Submission:

Ambry Genetics
Classification: Uncertain significance. Last evaluated: 2021-12-06. Review status: criteria provided, single submitter. Criteria: Ambry Variant Classification Scheme 2023. Collection method: clinical testing. Allele origin: germline.
Comment: The p.N2305D variant (also known as c.6913A>G), located in coding exon 52 of the PRKDC gene, results from an A to G substitution at nucleotide position 6913. The asparagine at codon 2305 is replaced by aspartic acid, an amino acid with highly similar properties. This amino acid position is conserved. In addition, this alteration is predicted to be tolerated by in silico analysis. Since supporting evidence is limited at this time, the clinical significance of this alteration remains unclear.